The following is an entry in ClinVar:

ClinVar aggregate classification (germline): Pathogenic (1 of 4 stars; one submission).

Conditions:
Pfeiffer syndrome (ACS5). Also called: ACS V. Identifiers: Orphanet 710, MedGen C0220658, MONDO:0007043, OMIM 101600.
Hypogonadotropic hypogonadism 2 with or without anosmia (HH2). Also called: FGFR1-Related GnRH Deficiency (Kallmann Syndrome 2); HYPOGONADOTROPIC HYPOGONADISM 2 WITHOUT ANOSMIA; HYPOGONADOTROPIC HYPOGONADISM 2 WITH OR WITHOUT ANOSMIA, SUSCEPTIBILITY TO; HYPOGONADOTROPIC HYPOGONADISM 2 WITHOUT ANOSMIA, SUSCEPTIBILITY TO. Identifiers: Orphanet 478, MedGen C1563720, MONDO:0007844, OMIM 147950. Disease mechanism: loss of function.

Submission:

Labcorp Genetics (formerly Invitae), Labcorp
Classification: Pathogenic for Pfeiffer syndrome; Hypogonadotropic hypogonadism 2 with or without anosmia. Last evaluated: 2024-10-26. Review status: criteria provided, single submitter. Criteria: Invitae Variant Classification Sherloc (09022015). Collection method: clinical testing. Allele origin: germline.
Comment: This sequence change replaces asparagine, which is neutral and polar, with aspartic acid, which is acidic and polar, at codon 628 of the FGFR1 protein (p.Asn628Asp). This variant is not present in population databases (gnomAD no frequency). This missense change has been observed in individual(s) with clinical features of FGFR1-related conditions (internal data). In at least one individual the variant was observed to be de novo. Invitae Evidence Modeling of protein sequence and biophysical properties (such as structural, functional, and spatial information, amino acid conservation, physicochemical variation, residue mobility, and thermodynamic stability) indicates that this missense variant is expected to disrupt FGFR1 protein function with a positive predictive value of 80%. For these reasons, this variant has been classified as Pathogenic.

NM_023110.3(FGFR1):c.1882A>G (p.Asn628Asp)

Gene: FGFR1 (fibroblast growth factor receptor 1; minus strand). Cytogenetic location: 8p11.23.
Variant type: single nucleotide variant.
Coding change: c.1882A>G on transcript NM_023110.3 (MANE Select); coding-DNA position 1882, A replaced by G.
Protein change: p.Asn628Asp; replaces asparagine 628 with aspartic acid.
Molecular consequence: missense variant.
Genome position (GRCh38, 1-based): chr8:38,414,874, T>C on the plus strand (A>G on the coding strand, the complement: FGFR1 is on the minus strand). VCF-style: chr8-38414874-T-C. GRCh37 (hg19) VCF-style: chr8-38272392-T-C.
Other names: c.1876A>G, p.Asn626Asp (NM_001174063.2, NM_001174065.2, NM_001354367.2 and 1 more transcripts); c.1852A>G, p.Asn618Asp (NM_001174064.2); c.1615A>G, p.Asn539Asp (NM_001174066.2, NM_023105.3); c.1975A>G, p.Asn659Asp (NM_001174067.2); c.1603A>G, p.Asn535Asp (NM_001354368.2); c.1870A>G, p.Asn624Asp (NM_001354369.2, NM_001410922.1); c.1609A>G, p.Asn537Asp (NM_001354370.2, NM_023106.3); short protein forms N535D, N537D, N539D, N618D, N624D, N626D, N628D, N659D.
Identifiers: ClinVar variation 3758303 (VCV003758303.2).